The following is an entry in ClinVar:

ClinVar aggregate classification (germline): Pathogenic (1 of 4 stars; one submission).

Submission:

Labcorp Genetics (formerly Invitae), Labcorp
Classification: Pathogenic. Last evaluated: 2024-11-18. Review status: criteria provided, single submitter. Criteria: Invitae Variant Classification Sherloc (09022015). Collection method: clinical testing. Allele origin: germline.
Comment: This sequence change creates a premature translational stop signal (p.Gly530Alafs*13) in the CEP250 gene. It is expected to result in an absent or disrupted protein product. Loss-of-function variants in CEP250 are known to be pathogenic (PMID: 24780881, 29718797). This variant is not present in population databases (gnomAD no frequency). This variant has not been reported in the literature in individuals affected with CEP250-related conditions. For these reasons, this variant has been classified as Pathogenic.

Literature cited by the submitters: PubMed 24780881; PubMed 29718797.

NM_007186.6(CEP250):c.1589del (p.Gly530fs)

Genes: CEP250 (centrosomal protein 250; plus strand), CEP250-AS1 (CEP250 antisense RNA 1; minus strand). Cytogenetic location: 20q11.22.
Variant type: Deletion.
Coding change: c.1589del on transcript NM_007186.6 (MANE Select); coding-DNA position 1589, one base deleted (G; older notation c.1589delG).
Protein change: p.Gly530fs; shifts the reading frame from glycine 530.
Molecular consequence: frameshift variant. On other transcripts: non-coding transcript variant (7), 5 prime UTR variant (1).
Genome position (GRCh38, 1-based): chr20:35,475,519, G deleted; the last of 3 consecutive G bases (chr20:35,475,517-35,475,519); deleting any one gives the same sequence. VCF-style (leftmost placement, unchanged base first): chr20-35475516-TG-T. GRCh37 (hg19) VCF-style: chr20-34063341-TG-T.
Other names: c.-311del (NM_001318219.1); short protein forms G530fs.
Identifiers: ClinVar variation 3725470 (VCV003725470.2).